The following is an entry in ClinVar:

ClinVar aggregate classification (germline): Uncertain significance (1 of 4 stars; one submission).

Submission:

GeneDx
Classification: Uncertain significance. Last evaluated: 2024-11-05. Review status: criteria provided, single submitter. Criteria: GeneDx Variant Classification Process June 2021. Collection method: clinical testing. Allele origin: germline. Affected: yes.
Comment: Not observed at significant frequency in large population cohorts (gnomAD); In-frame deletion of 2 amino acid(s) in a non-repeat region; In silico analysis indicates that this variant does not alter protein structure/function; Has not been previously published as pathogenic or benign to our knowledge

NM_005029.4(PITX3):c.188_193del (p.Arg63_Arg64del)

Genes: GBF1 (golgi brefeldin A resistant guanine nucleotide exchange factor 1; plus strand), PITX3 (paired like homeodomain 3; minus strand). Cytogenetic location: 10q24.32.
Variant type: Deletion.
Coding change: c.188_193del on transcript NM_005029.4 (MANE Select); coding-DNA positions 188 to 193, 6 bases deleted (GGCGGC; older notation c.188_193delGGCGGC).
Protein change: p.Arg63_Arg64del.
Molecular consequence: inframe deletion. On other transcripts: intron variant (2).
Genome position (GRCh38, 1-based): chr10:102,231,716-102,231,721, GCCGCC deleted on the plus strand (GGCGGC on the coding strand, the reverse complement: PITX3 is on the minus strand); deleting any 6 consecutive bases within chr10:102,231,716-102,231,723 gives the same sequence; the c. name uses the placement nearest the transcript's 3' end. VCF-style (leftmost placement, unchanged base first): chr10-102231715-TGCCGCC-T. GRCh37 (hg19) VCF-style: chr10-103991472-TGCCGCC-T.
Other names: c.-149+802_-149+807del (NM_001391924.1); c.-11+802_-11+807del (NM_001391923.1).
Identifiers: ClinVar variation 3899101 (VCV003899101.1).